The following is an entry in ClinVar:

NM_000038.6(APC):c.6373T>C (p.Ser2125Pro)

Gene: APC (APC regulator of Wnt signaling pathway; plus strand). Cytogenetic location: 5q22.2.
Variant type: single nucleotide variant.
Coding change: c.6373T>C on transcript NM_000038.6 (MANE Select); coding-DNA position 6373, T replaced by C.
Protein change: p.Ser2125Pro; replaces serine 2125 with proline.
Molecular consequence: missense variant. On other transcripts: non-coding transcript variant (2).
Genome position (GRCh38, 1-based): chr5:112,841,967, T>C. VCF-style: chr5-112841967-T-C. GRCh37 (hg19) VCF-style: chr5-112177664-T-C.
Other names: c.6373T>C, p.Ser2125Pro (NM_001127510.3, NM_001354895.2, NM_001407450.1); c.6319T>C, p.Ser2107Pro (NM_001127511.3); c.6427T>C, p.Ser2143Pro (NM_001354896.2, NM_001407447.1, NM_001407448.1 and 1 more transcripts); c.6403T>C, p.Ser2135Pro (NM_001354897.2); c.6298T>C, p.Ser2100Pro (NM_001354898.2); c.6289T>C, p.Ser2097Pro (NM_001354899.2); c.6250T>C, p.Ser2084Pro (NM_001354900.2); c.6196T>C, p.Ser2066Pro (NM_001354901.2, NM_001407453.1); and 11 more; short protein forms S1965P, S2066P, S2100P, S2153P, S1996P, S2084P, S2125P, S2135P.
Identifiers: ClinVar variation 2452762 (VCV002452762.2), dbSNP rs371097044, ClinGen allele CA16035287.

ClinVar aggregate classification (germline): Uncertain significance (1 of 4 stars; one submission).

Conditions:
Hereditary cancer-predisposing syndrome. Also called: Neoplastic Syndromes, Hereditary; Tumor predisposition; Hereditary neoplastic syndrome; Hereditary Cancer Syndrome. Identifiers: Orphanet 140162, MedGen C0027672, MeSH D009386, MONDO:0015356.

Submission:

Ambry Genetics
Classification: Uncertain significance for Hereditary cancer-predisposing syndrome. Last evaluated: 2023-02-24. Review status: criteria provided, single submitter. Criteria: Ambry Variant Classification Scheme 2023. Collection method: clinical testing. Allele origin: germline.
Comment: The p.S2125P variant (also known as c.6373T>C), located in coding exon 15 of the APC gene, results from a T to C substitution at nucleotide position 6373. The serine at codon 2125 is replaced by proline, an amino acid with similar properties. This amino acid position is conserved. In addition, in silico predictors for this gene do not accurately predict pathogenicity. Since supporting evidence is limited at this time, the clinical significance of this alteration remains unclear.